The following is an entry in ClinVar:

ClinVar aggregate classification (germline): Uncertain significance (1 of 4 stars; one submission).

Conditions:
Cardiovascular phenotype. Identifiers: MedGen CN230736.

gnomAD v4.1: 3 of 1,611,566 alleles (0.00019%); highest among the groups gnomAD compares: Admixed American, 0.0017%; no homozygotes.

Submission:

Ambry Genetics
Classification: Uncertain significance for Cardiovascular phenotype. Last evaluated: 2025-11-02. Review status: criteria provided, single submitter. Criteria: Ambry Variant Classification Scheme 2023. Collection method: clinical testing. Allele origin: germline.
Comment: The p.K284R variant (also known as c.851A>G), located in coding exon 6 of the GPD1L gene, results from an A to G substitution at nucleotide position 851. The lysine at codon 284 is replaced by arginine, an amino acid with highly similar properties. This amino acid position is conserved. In addition, the in silico prediction for this alteration is inconclusive. Based on the available evidence, the clinical significance of this variant remains unclear.

NM_015141.4(GPD1L):c.851A>G (p.Lys284Arg)

Gene: GPD1L (glycerol-3-phosphate dehydrogenase 1 like; plus strand). Cytogenetic location: 3p22.3.
Variant type: single nucleotide variant.
Coding change: c.851A>G on transcript NM_015141.4 (MANE Select); coding-DNA position 851, A replaced by G.
Protein change: p.Lys284Arg; replaces lysine 284 with arginine.
Molecular consequence: missense variant.
Genome position (GRCh38, 1-based): chr3:32,159,108, A>G. VCF-style: chr3-32159108-A-G. GRCh37 (hg19) VCF-style: chr3-32200600-A-G.
Other names: short protein forms K284R.
Identifiers: ClinVar variation 4614254 (VCV004614254.1).
Genomic context (GRCh38, chr3:32,159,108, plus strand): 5'-TCACCACCTGTTACGGAGGGCGGAACCGCAGGGTGGCCGAGGCCTTCGCCAGAACTGGGA[A>G]GGTAGCCCCTCACCTGCTCTCCCGCACCCCCTCCTTCCTCACTTGAGACTCCTGGCTTGG-3'
Protein context (NP_055956.1, residues 274-294): RVAEAFARTG[Lys284Arg]TIEELEKEML